The following is an entry in ClinVar:

ClinVar aggregate classification (germline): Likely benign (1 of 4 stars; one submission).

Allele frequency attached by ClinVar (database versions not stated): 1000 Genomes Project 30x 0.00390; gnomAD 0.00393 and 0.00404; 1000 Genomes Project 0.00399; ExAC 0.00457; TOPMed 0.00461.
gnomAD v4.1: 1,802 of 454,426 alleles (0.4%); highest among the groups gnomAD compares: Middle Eastern, 1.1%; 6 homozygotes.

Submission:

CeGaT Center for Human Genetics Tuebingen
Classification: Likely benign. Last evaluated: 2023-06-01. Review status: criteria provided, single submitter. Criteria: CeGaT Center For Human Genetics Tuebingen Variant Classification Criteria Version 2. Collection method: clinical testing. Allele origin: germline. Affected: yes. Observed: 20 variant alleles.
Comment: KCNQ5: BS2

NM_019842.4(KCNQ5):c.616+1094G>A

Gene: KCNQ5 (potassium voltage-gated channel subfamily Q member 5; plus strand). Cytogenetic location: 6q13.
Variant type: single nucleotide variant.
Coding change: c.616+1094G>A on transcript NM_019842.4 (MANE Select); 1094 bases into the intron after coding-DNA position 616, G replaced by A.
Molecular consequence: intron variant.
Genome position (GRCh38, 1-based): chr6:73,043,156, G>A. VCF-style: chr6-73043156-G-A. GRCh37 (hg19) VCF-style: chr6-73752879-G-A.
Other names: c.616+1094G>A (NM_001160133.2, NM_001160134.2, NM_001160132.2 and 1 more transcripts).
Identifiers: ClinVar variation 1695160 (VCV001695160.31), dbSNP rs148987180, ClinGen allele CA3886806.
Genomic context (GRCh38, chr6:73,043,156, plus strand): 5'-AGTTTCCTCCCTTACTCCTGTTCCCTATGGTGGGGGCAGAGTGGATTTAAGGAAGAAAGT[G>A]TATCACCATCCATGGGCACTGTTAAGAAGAATCCTTTATTCCATACTTCTTTCATAGTAT-3'